The following is an entry in ClinVar:

NM_000038.6(APC):c.1504_1505delinsAA (p.Gly502Lys)

Gene: APC (APC regulator of Wnt signaling pathway; plus strand). Cytogenetic location: 5q22.2.
Variant type: Indel.
Coding change: c.1504_1505delinsAA on transcript NM_000038.6 (MANE Select); coding-DNA positions 1504 to 1505, GG replaced by AA.
Protein change: p.Gly502Lys; replaces glycine 502 with lysine.
Molecular consequence: missense variant.
Genome position (GRCh38, 1-based): chr5:112,827,203-112,827,204, GG replaced by AA. VCF-style: chr5-112827203-GG-AA. GRCh37 (hg19) VCF-style: chr5-112162900-GG-AA.
Other names: c.1504_1505delinsAA, p.Gly502Lys (NM_001127510.3, NM_001354895.2, NM_001407450.1); c.1450_1451delinsAA, p.Gly484Lys (NM_001127511.3); c.1558_1559delinsAA, p.Gly520Lys (NM_001354896.2, NM_001407447.1, NM_001407448.1 and 1 more transcripts); c.1534_1535delinsAA, p.Gly512Lys (NM_001354897.2); c.1429_1430delinsAA, p.Gly477Lys (NM_001354898.2); c.1420_1421delinsAA, p.Gly474Lys (NM_001354899.2); c.1381_1382delinsAA, p.Gly461Lys (NM_001354900.2); c.1327_1328delinsAA, p.Gly443Lys (NM_001354901.2, NM_001407453.1); and 11 more; short protein forms G219K, G373K, G376K, G401K, G461K, G520K, G118K, G411K.
Identifiers: ClinVar variation 3653458 (VCV003653458.2).

ClinVar aggregate classification (germline): Uncertain significance (1 of 4 stars; one submission).

Conditions:
Familial adenomatous polyposis 1 (FAP1). Also called: FAMILIAL ADENOMATOUS POLYPOSIS 1, ATTENUATED; POLYPOSIS, ADENOMATOUS INTESTINAL. Identifiers: MedGen C2713442, MONDO:0021056, OMIM 175100. Disease mechanism: loss of function.

Submission:

Labcorp Genetics (formerly Invitae), Labcorp
Classification: Uncertain significance for Familial adenomatous polyposis 1. Last evaluated: 2025-07-15. Review status: criteria provided, single submitter. Criteria: Invitae Variant Classification Sherloc (09022015). Collection method: clinical testing. Allele origin: germline.
Comment: This sequence change replaces glycine, which is neutral and non-polar, with lysine, which is basic and polar, at codon 502 of the APC protein (p.Gly502Lys). Information on the frequency of this variant in the gnomAD database is not available, as this variant may be reported differently in the database. This variant has not been reported in the literature in individuals affected with APC-related conditions. ClinVar contains an entry for this variant (Variation ID: 3653458). An algorithm developed to predict the effect of missense changes on protein structure and function (PolyPhen-2) suggests that this variant is likely to be disruptive. In summary, the available evidence is currently insufficient to determine the role of this variant in disease. Therefore, it has been classified as a Variant of Uncertain Significance.